The following is an entry in ClinVar:

ClinVar aggregate classification (germline): Uncertain significance. Review status: criteria provided, multiple submitters, no conflicts (2 of 4 stars). 3 submissions from 3 submitters: Uncertain significance (3). Last evaluated 2025-06-12.

Conditions:
Multiple endocrine neoplasia type 4. Also called: MULTIPLE ENDOCRINE NEOPLASIA, TYPE IV. Identifiers: Orphanet 276152, MedGen C1970712, MONDO:0012552, OMIM 610755.
Hereditary cancer-predisposing syndrome. Also called: Neoplastic Syndromes, Hereditary; Tumor predisposition; Hereditary neoplastic syndrome; Hereditary Cancer Syndrome. Identifiers: Orphanet 140162, MedGen C0027672, MeSH D009386, MONDO:0015356.

Submissions (3):

Ambry Genetics
Classification: Uncertain significance for Hereditary cancer-predisposing syndrome. Last evaluated: 2025-06-12. Review status: criteria provided, single submitter. Criteria: Ambry Variant Classification Scheme 2023. Collection method: clinical testing. Allele origin: germline.
Comment: The p.Y89H variant (also known as c.265T>C), located in coding exon 1 of the CDKN1B gene, results from a T to C substitution at nucleotide position 265. The tyrosine at codon 89 is replaced by histidine, an amino acid with similar properties. This amino acid position is not well conserved in available vertebrate species. In addition, this alteration is predicted to be tolerated by in silico analysis. Since supporting evidence is limited at this time, the clinical significance of this alteration remains unclear.

Labcorp Genetics (formerly Invitae), Labcorp
Classification: Uncertain significance for Multiple endocrine neoplasia type 4. Last evaluated: 2025-04-08. Review status: criteria provided, single submitter. Criteria: Invitae Variant Classification Sherloc (09022015). Collection method: clinical testing. Allele origin: germline.
Comment: This sequence change replaces tyrosine, which is neutral and polar, with histidine, which is basic and polar, at codon 89 of the CDKN1B protein (p.Tyr89His). This variant is not present in population databases (gnomAD no frequency). This variant has not been reported in the literature in individuals affected with CDKN1B-related conditions. ClinVar contains an entry for this variant (Variation ID: 1794438). An algorithm developed to predict the effect of missense changes on protein structure and function outputs the following: PolyPhen-2: "Benign". The histidine amino acid residue is found in multiple mammalian species, which suggests that this missense change does not adversely affect protein function. In summary, the available evidence is currently insufficient to determine the role of this variant in disease. Therefore, it has been classified as a Variant of Uncertain Significance.

GeneDx
Classification: Uncertain significance. Last evaluated: 2023-12-19. Review status: criteria provided, single submitter. Criteria: GeneDx Variant Classification Process June 2021. Collection method: clinical testing. Allele origin: germline. Affected: yes.
Comment: Not observed at significant frequency in large population cohorts (gnomAD); In silico analysis supports that this missense variant does not alter protein structure/function; Has not been previously published as pathogenic or benign to our knowledge

NM_004064.5(CDKN1B):c.265T>C (p.Tyr89His)

Gene: CDKN1B (cyclin dependent kinase inhibitor 1B; plus strand). Cytogenetic location: 12p13.1.
Variant type: single nucleotide variant.
Coding change: c.265T>C on transcript NM_004064.5 (MANE Select); coding-DNA position 265, T replaced by C.
Protein change: p.Tyr89His; replaces tyrosine 89 with histidine.
Molecular consequence: missense variant.
Genome position (GRCh38, 1-based): chr12:12,718,104, T>C. VCF-style: chr12-12718104-T-C. GRCh37 (hg19) VCF-style: chr12-12871038-T-C.
Other names: c.265T>C (NM_004064.4); short protein forms Y89H.
Identifiers: ClinVar variation 1794438 (VCV001794438.8), dbSNP rs2136355911, ClinGen allele CA383969891.